The following is an entry in ClinVar:

NM_000153.4(GALC):c.680A>G (p.Asp227Gly)

Gene: GALC (galactosylceramidase; minus strand). Cytogenetic location: 14q31.3.
Variant type: single nucleotide variant.
Coding change: c.680A>G on transcript NM_000153.4 (MANE Select); coding-DNA position 680, A replaced by G.
Protein change: p.Asp227Gly; replaces aspartic acid 227 with glycine.
Molecular consequence: missense variant.
Genome position (GRCh38, 1-based): chr14:87,976,430, T>C on the plus strand (A>G on the coding strand, the complement: GALC is on the minus strand). VCF-style: chr14-87976430-T-C. GRCh37 (hg19) VCF-style: chr14-88442774-T-C.
Other names: c.611A>G, p.Asp204Gly (NM_001201401.2); c.602A>G, p.Asp201Gly (NM_001201402.2); c.680A>G (NM_000153.3); short protein forms D201G, D204G, D227G.
Identifiers: ClinVar variation 990193 (VCV000990193.7), dbSNP rs1886495923, ClinGen allele CA390749561.
Genomic context (GRCh38, chr14:87,976,430, plus strand): 5'-ACCACCTTGAAGAGTTCGGCATCAAGGAGCATGGATGCAGAGATGGACTCCCAGAGATTA[T>C]CACTTGCTATGATTTTCACTCGCTGGAGACCTTGATAATTCAGCATTTTTCTTAATATCT-3'
Protein context (NP_000144.2, residues 217-237): GLQRVKIIAS[Asp227Gly]NLWESISASM

ClinVar aggregate classification (germline): Conflicting classifications of pathogenicity. Review status: criteria provided, conflicting classifications (1 of 4 stars). 5 submissions from 5 submitters: Likely pathogenic (2); Uncertain significance (2). 1 of the submissions does not count toward it. Last evaluated 2024-05-14.

Conditions:
Galactosylceramide beta-galactosidase deficiency. Also called: GALACTOCEREBROSIDASE DEFICIENCY; GALC DEFICIENCY; GLOBOID CELL LEUKOENCEPHALOPATHY; Leukodystrophy, Globoid Cell; Krabbe Disease. Identifiers: Orphanet 487, MedGen C0023521, MONDO:0009499, OMIM 245200.
GALC-related disorders.

Allele frequency attached by ClinVar (database versions not stated): gnomAD exomes 0.00001.
gnomAD v4.1: 8 of 1,613,690 alleles (0.0005%); highest among the groups gnomAD compares: Non-Finnish European, 0.00059%; no homozygotes.

Submissions (5):

Women's Health and Genetics/Laboratory Corporation of America, LabCorp
Classification: Uncertain significance. Last evaluated: 2024-05-14. Review status: criteria provided, single submitter. Criteria: LabCorp Variant Classification Summary - May 2015. Collection method: clinical testing. Allele origin: germline.
Comment: Variant summary: GALC c.680A>G (p.Asp227Gly) results in a non-conservative amino acid change located in the Glycosyl hydrolase family 59, catalytic domain (IPR049161) of the encoded protein sequence. Five of five in-silico tools predict a damaging effect of the variant on protein function. The variant was absent in 249342 control chromosomes (gnomAD). The available data on variant occurrences in the general population are insufficient to allow any conclusion about variant significance. To our knowledge, no occurrence of c.680A>G in individuals affected with Krabbe Disease and no experimental evidence demonstrating its impact on protein function have been reported. ClinVar contains an entry for this variant (Variation ID: 990193). Based on the evidence outlined above, the variant was classified as uncertain significance.

Baylor Genetics
Classification: Likely pathogenic for Galactosylceramide beta-galactosidase deficiency. Last evaluated: 2023-05-24. Review status: criteria provided, single submitter. Criteria: ACMG Guidelines, 2015. Collection method: clinical testing. Allele origin: unknown.

Blueprint Genetics
Classification: Likely pathogenic for GALC-related disorders. Last evaluated: 2021-01-14. Review status: criteria provided, single submitter. Criteria: ACMG Guidelines, 2015. Collection method: clinical testing. Allele origin: germline. Affected: yes. Observed: 2 variant alleles.

Revvity Omics, Revvity
Classification: Uncertain significance. Last evaluated: 2019-12-10. Review status: criteria provided, single submitter. Criteria: ACMG Guidelines, 2015. Collection method: clinical testing. Allele origin: germline.

Natera, Inc.
Classification: Uncertain significance for Galactosylceramide beta-galactosidase deficiency. Last evaluated: 2020-04-18. Review status: no assertion criteria provided. Collection method: clinical testing. Allele origin: germline. Not counted in ClinVar's aggregate classification.